The following is an entry in ClinVar:

NM_004360.5(CDH1):c.1144G>A (p.Gly382Ser)

Gene: CDH1 (cadherin 1; plus strand). Cytogenetic location: 16q22.1.
Variant type: single nucleotide variant.
Coding change: c.1144G>A on transcript NM_004360.5 (MANE Select); coding-DNA position 1144, G replaced by A.
Protein change: p.Gly382Ser; replaces glycine 382 with serine.
Molecular consequence: missense variant. On other transcripts: 5 prime UTR variant (2), intron variant (1).
Genome position (GRCh38, 1-based): chr16:68,813,319, G>A. VCF-style: chr16-68813319-G-A. GRCh37 (hg19) VCF-style: chr16-68847222-G-A.
Other names: c.-472G>A (NM_001317185.2); c.-676G>A (NM_001317186.2); c.1137+1056G>A (NM_001317184.2); c.1144G>A (LRG_301t1); short protein forms G382S.
Identifiers: ClinVar variation 649993 (VCV000649993.13), dbSNP rs1597895701, ClinGen allele CA396461011.
Genomic context (GRCh38, chr16:68,813,319, plus strand): 5'-AGCTCTGCTAGCAGTCTTGGTACTTTGTAAATGACACATCTCTTTGCTCTGCAGTACAAG[G>A]GTCAGGTGCCTGAGAACGAGGCTAACGTCGTAATCACCACACTGAAAGTGACTGATGCTG-3'
Protein context (NP_004351.1, residues 372-392): PPIFNPTTYK[Gly382Ser]QVPENEANVV

ClinVar aggregate classification (germline): Uncertain significance. Review status: criteria provided, multiple submitters, no conflicts (2 of 4 stars). 2 submissions from 2 submitters: Uncertain significance (2). Last evaluated 2026-07-06.

Conditions:
Hereditary diffuse gastric adenocarcinoma (HDGC). Also called: DIFFUSE GASTRIC AND LOBULAR BREAST CANCER SYNDROME. Identifiers: Orphanet 26106, MedGen C1708349, MONDO:0007648, OMIM 137215.
Hereditary cancer-predisposing syndrome. Also called: Neoplastic Syndromes, Hereditary; Hereditary Cancer Syndrome; Hereditary neoplastic syndrome; Tumor predisposition. Identifiers: Orphanet 140162, MedGen C0027672, MeSH D009386, MONDO:0015356.

gnomAD v4.1: 2 of 1,614,104 alleles (0.00012%); highest among the groups gnomAD compares: Non-Finnish European, 0.00017%; no homozygotes.

Submissions (2):

Ambry Genetics
Classification: Uncertain significance for Hereditary cancer-predisposing syndrome. Last evaluated: 2026-07-06. Review status: criteria provided, single submitter. Criteria: Ambry Variant Classification Scheme 2023. Collection method: clinical testing. Allele origin: germline.
Comment: The p.G382S variant (also known as c.1144G>A), located in coding exon 9 of the CDH1 gene, results from a G to A substitution at nucleotide position 1144. The glycine at codon 382 is replaced by serine, an amino acid with similar properties. This amino acid position is conserved. In addition, this alteration is predicted to be tolerated by in silico analysis. Based on the available evidence, the clinical significance of this variant remains unclear.

Labcorp Genetics (formerly Invitae), Labcorp
Classification: Uncertain significance for Hereditary diffuse gastric adenocarcinoma. Last evaluated: 2021-06-13. Review status: criteria provided, single submitter. Criteria: Invitae Variant Classification Sherloc (09022015). Collection method: clinical testing. Allele origin: germline.
Comment: In summary, the available evidence is currently insufficient to determine the role of this variant in disease. Therefore, it has been classified as a Variant of Uncertain Significance. Algorithms developed to predict the effect of missense changes on protein structure and function are either unavailable or do not agree on the potential impact of this missense change (SIFT: "Tolerated"; PolyPhen-2: "Possibly Damaging"; Align-GVGD: "Class C0"). This variant has not been reported in the literature in individuals with CDH1-related conditions. This variant is not present in population databases (ExAC no frequency). This sequence change replaces glycine with serine at codon 382 of the CDH1 protein (p.Gly382Ser). The glycine residue is moderately conserved and there is a small physicochemical difference between glycine and serine.